The following is an entry in ClinVar:

ClinVar aggregate classification (germline): Uncertain significance (1 of 4 stars; one submission).

Submission:

Ambry Genetics
Classification: Uncertain significance. Last evaluated: 2026-01-03. Review status: criteria provided, single submitter. Criteria: Ambry Variant Classification Scheme 2023. Collection method: clinical testing. Allele origin: germline.
Comment: The p.S2004N variant (also known as c.6011G>A), located in coding exon 24 of the WNK2 gene, results from a G to A substitution at nucleotide position 6011. The serine at codon 2004 is replaced by asparagine, an amino acid with highly similar properties. This amino acid position is conserved. In addition, this alteration is predicted to be tolerated by in silico analysis. Based on the available evidence, the clinical significance of this variant remains unclear.

NM_006648.4(WNK2):c.6011G>A (p.Ser2004Asn)

Gene: WNK2 (WNK lysine deficient protein kinase 2; plus strand). Cytogenetic location: 9q22.31.
Variant type: single nucleotide variant.
Coding change: c.6011G>A on transcript NM_006648.4 (MANE Select); coding-DNA position 6011, G replaced by A.
Protein change: p.Ser2004Asn; replaces serine 2004 with asparagine.
Molecular consequence: missense variant.
Genome position (GRCh38, 1-based): chr9:93,299,157, G>A. VCF-style: chr9-93299157-G-A. GRCh37 (hg19) VCF-style: chr9-96061439-G-A.
Other names: c.6122G>A, p.Ser2041Asn (NM_001282394.3); short protein forms S2004N, S2041N.
Identifiers: ClinVar variation 4842120 (VCV004842120.1).